The following is an entry in ClinVar:

NM_002294.3(LAMP2):c.1208A>G (p.His403Arg)

Gene: LAMP2 (lysosome associated membrane protein 2; minus strand). Cytogenetic location: Xq24.
Variant type: single nucleotide variant.
Coding change: c.1208A>G on transcript NM_002294.3 (MANE Select); coding-DNA position 1208, A replaced by G.
Protein change: p.His403Arg; replaces histidine 403 with arginine.
Molecular consequence: missense variant. On other transcripts: intron variant (1).
Genome position (GRCh38, 1-based): chrX:120,431,348, T>C on the plus strand (A>G on the coding strand, the complement: LAMP2 is on the minus strand). VCF-style: chrX-120431348-T-C. GRCh37 (hg19) VCF-style: chrX-119565203-T-C.
Other names: c.1094-2722A>G (NM_001122606.1); short protein forms H403R.
Identifiers: ClinVar variation 3712672 (VCV003712672.2).

ClinVar aggregate classification (germline): Uncertain significance (1 of 4 stars; one submission).

Conditions:
Danon disease. Also called: PSEUDOGLYCOGENOSIS II; GSD IIb; LYSOSOMAL GLYCOGEN STORAGE DISEASE WITHOUT ACID MALTASE DEFICIENCY; ANTOPOL DISEASE; Glycogen Storage Disease Type IIb. Identifiers: Orphanet 34587, MedGen C0878677, MONDO:0010281, OMIM 300257.

gnomAD v4.1: 2 of 1,210,779 alleles (0.00017%); highest among the groups gnomAD compares: Non-Finnish European, 0.00022%; no homozygotes.

Submission:

Labcorp Genetics (formerly Invitae), Labcorp
Classification: Uncertain significance for Danon disease. Last evaluated: 2024-10-10. Review status: criteria provided, single submitter. Criteria: Invitae Variant Classification Sherloc (09022015). Collection method: clinical testing. Allele origin: germline.
Comment: This sequence change replaces histidine, which is basic and polar, with arginine, which is basic and polar, at codon 403 of the LAMP2 protein (p.His403Arg). This variant is not present in population databases (gnomAD no frequency). This variant has not been reported in the literature in individuals affected with LAMP2-related conditions. Invitae Evidence Modeling of protein sequence and biophysical properties (such as structural, functional, and spatial information, amino acid conservation, physicochemical variation, residue mobility, and thermodynamic stability) indicates that this missense variant is not expected to disrupt LAMP2 protein function with a negative predictive value of 80%. In summary, the available evidence is currently insufficient to determine the role of this variant in disease. Therefore, it has been classified as a Variant of Uncertain Significance.